The following is an entry in ClinVar:

ClinVar aggregate classification (germline): Uncertain significance (0 of 4 stars; one submission).

Conditions:
KSR2-related disorder. Also called: KSR2-related condition.

gnomAD v4.1: 68 of 1,613,560 alleles (0.0042%); highest among the groups gnomAD compares: Non-Finnish European, 0.0054%; 1 homozygote.

Submission:

PreventionGenetics, part of Exact Sciences
Classification: Uncertain significance for KSR2-related condition. Last evaluated: 2024-01-03. Review status: no assertion criteria provided. Collection method: clinical testing. Allele origin: germline.
Comment: The KSR2 c.1709A>G variant is predicted to result in the amino acid substitution p.Asn570Ser. To our knowledge, this variant has not been reported in the literature. This variant is reported in 0.00089% of alleles in individuals of European (Non-Finnish) descent in gnomAD. At this time, the clinical significance of this variant is uncertain due to the absence of conclusive functional and genetic evidence.

NM_173598.6(KSR2):c.1796A>G (p.Asn599Ser)

Gene: KSR2 (kinase suppressor of ras 2; minus strand). Cytogenetic location: 12q24.22.
Variant type: single nucleotide variant.
Coding change: c.1796A>G on transcript NM_173598.6 (MANE Select); coding-DNA position 1796, A replaced by G.
Protein change: p.Asn599Ser; replaces asparagine 599 with serine.
Molecular consequence: missense variant.
Genome position (GRCh38, 1-based): chr12:117,530,947, T>C on the plus strand (A>G on the coding strand, the complement: KSR2 is on the minus strand). VCF-style: chr12-117530947-T-C. GRCh37 (hg19) VCF-style: chr12-117968752-T-C.
Other names: short protein forms N599S.
Identifiers: ClinVar variation 3349874 (VCV003349874.1).
Genomic context (GRCh38, chr12:117,530,947, plus strand): 5'-AGGGCCAGGGCTGGGAAGCTTGGGAAAGGGGGAAGATGTCTCTGTCTCACTTACATTGGA[T>C]TCGAGGTCACCGGATGCAGGATGACCTGGGGCGCCCGGGTCGGCGTCTCCGGCACCGGCA-3'
Protein context (NP_775869.4, residues 589-609): PQVILHPVTS[Asn599Ser]PILEGNPLLQ